The following is an entry in ClinVar:

NM_001371928.1(AHDC1):c.1357C>G (p.Pro453Ala)

Gene: AHDC1 (AT-hook DNA binding motif containing 1; minus strand). Cytogenetic location: 1p36.11.
Variant type: single nucleotide variant.
Coding change: c.1357C>G on transcript NM_001371928.1 (MANE Select); coding-DNA position 1357, C replaced by G.
Protein change: p.Pro453Ala; replaces proline 453 with alanine.
Molecular consequence: missense variant.
Genome position (GRCh38, 1-based): chr1:27,550,759, G>C on the plus strand (C>G on the coding strand, the complement: AHDC1 is on the minus strand). VCF-style: chr1-27550759-G-C. GRCh37 (hg19) VCF-style: chr1-27877270-G-C.
Other names: c.1357C>G, p.Pro453Ala (NM_001029882.3); short protein forms P453A.
Identifiers: ClinVar variation 3508920 (VCV003508920.3).

ClinVar aggregate classification (germline): Uncertain significance. Review status: criteria provided, multiple submitters, no conflicts (2 of 4 stars). 2 submissions from 2 submitters: Uncertain significance (2). Last evaluated 2024-10-25.

Conditions:
Inborn genetic diseases. Identifiers: MedGen C0950123, MeSH D030342.

gnomAD v4.1: 2 of 1,576,648 alleles (0.00013%); highest among the groups gnomAD compares: African/African-American, 0.0014%; no homozygotes.

Submissions (2):

Ambry Genetics
Classification: Uncertain significance for Inborn genetic diseases. Last evaluated: 2024-10-25. Review status: criteria provided, single submitter. Criteria: Ambry Variant Classification Scheme 2023. Collection method: clinical testing. Allele origin: germline.

Labcorp Genetics (formerly Invitae), Labcorp
Classification: Uncertain significance. Last evaluated: 2024-04-15. Review status: criteria provided, single submitter. Criteria: Invitae Variant Classification Sherloc (09022015). Collection method: clinical testing. Allele origin: germline.
Comment: This sequence change replaces proline, which is neutral and non-polar, with alanine, which is neutral and non-polar, at codon 453 of the AHDC1 protein (p.Pro453Ala). This variant is present in population databases (no rsID available, gnomAD 0.006%). This variant has not been reported in the literature in individuals affected with AHDC1-related conditions. An algorithm developed to predict the effect of missense changes on protein structure and function (PolyPhen-2) suggests that this variant is likely to be tolerated. In summary, the available evidence is currently insufficient to determine the role of this variant in disease. Therefore, it has been classified as a Variant of Uncertain Significance.